The following is an entry in ClinVar:

NM_016604.4(KDM3B):c.13G>A (p.Ala5Thr)

Genes: KDM3B (lysine demethylase 3B; plus strand), LOC129994737 (ATAC-STARR-seq lymphoblastoid silent region 16394; plus strand). Cytogenetic location: 5q31.2.
Variant type: single nucleotide variant.
Coding change: c.13G>A on transcript NM_016604.4 (MANE Select); coding-DNA position 13, G replaced by A.
Protein change: p.Ala5Thr; replaces alanine 5 with threonine.
Molecular consequence: missense variant.
Genome position (GRCh38, 1-based): chr5:138,352,808, G>A. VCF-style: chr5-138352808-G-A. GRCh37 (hg19) VCF-style: chr5-137688497-G-A.
Other names: short protein forms A5T.
Identifiers: ClinVar variation 3055328 (VCV003055328.2), dbSNP rs200772506, ClinGen allele CA3428621.

ClinVar aggregate classification (germline): Benign (0 of 4 stars; one submission).

Conditions:
KDM3B-related disorder. Also called: KDM3B-related condition.

Allele frequency attached by ClinVar (database versions not stated): 1000 Genomes Project 0.00879; 1000 Genomes Project 30x 0.01015; TOPMed 0.01865; gnomAD 0.02232; gnomAD exomes 0.03164; ExAC 0.07296.
gnomAD v4.1: 39,676 of 1,306,040 alleles (3%); highest among the groups gnomAD compares: Non-Finnish European, 3.3%; 755 homozygotes.

Submission:

PreventionGenetics, part of Exact Sciences
Classification: Benign for KDM3B-related condition. Last evaluated: 2019-11-01. Review status: no assertion criteria provided. Collection method: clinical testing. Allele origin: germline.
Comment: This variant is classified as benign based on ACMG/AMP sequence variant interpretation guidelines (Richards et al. 2015 PMID: 25741868, with internal and published modifications).